The following is an entry in ClinVar:

NM_001003800.2(BICD2):c.389A>G (p.Asn130Ser)

Gene: BICD2 (BICD cargo adaptor 2; minus strand). Cytogenetic location: 9q22.31.
Variant type: single nucleotide variant.
Coding change: c.389A>G on transcript NM_001003800.2 (MANE Select); coding-DNA position 389, A replaced by G.
Protein change: p.Asn130Ser; replaces asparagine 130 with serine.
Molecular consequence: missense variant.
Genome position (GRCh38, 1-based): chr9:92,729,088, T>C on the plus strand (A>G on the coding strand, the complement: BICD2 is on the minus strand). VCF-style: chr9-92729088-T-C. GRCh37 (hg19) VCF-style: chr9-95491370-T-C.
Other names: c.389A>G, p.Asn130Ser (NM_015250.4); short protein forms N130S.
Identifiers: ClinVar variation 641810 (VCV000641810.9), dbSNP rs142827536, ClinGen allele CA5126829.

ClinVar aggregate classification (germline): Uncertain significance (1 of 4 stars; one submission).

Conditions:
Autosomal dominant childhood-onset proximal spinal muscular atrophy with contractures (SMALED2A). Also called: SPINAL MUSCULAR ATROPHY, LOWER EXTREMITY-PREDOMINANT, 2A, CHILDHOOD ONSET, AUTOSOMAL DOMINANT; Spinal muscular atrophy, lower extremity-predominant, 2A, autosomal dominant. Identifiers: Orphanet 363447, Orphanet 363454, MedGen C4747715, MONDO:0014121, OMIM 615290.

Allele frequency attached by ClinVar (database versions not stated): gnomAD 0.00001; gnomAD exomes 0.00001 and 0.00004; TOPMed 0.00003; ExAC 0.00004; ESP Exome Variant Server 0.00008.
gnomAD v4.1: 20 of 1,614,116 alleles (0.0012%); highest among the groups gnomAD compares: Admixed American, 0.02%; no homozygotes.

Submission:

Labcorp Genetics (formerly Invitae), Labcorp
Classification: Uncertain significance for Autosomal dominant childhood-onset proximal spinal muscular atrophy with contractures. Last evaluated: 2025-07-06. Review status: criteria provided, single submitter. Criteria: Invitae Variant Classification Sherloc (09022015). Collection method: clinical testing. Allele origin: germline.
Comment: This sequence change replaces asparagine, which is neutral and polar, with serine, which is neutral and polar, at codon 130 of the BICD2 protein (p.Asn130Ser). This variant is present in population databases (rs142827536, gnomAD 0.03%). This variant has not been reported in the literature in individuals affected with BICD2-related conditions. ClinVar contains an entry for this variant (Variation ID: 641810). Invitae Evidence Modeling of protein sequence and biophysical properties (such as structural, functional, and spatial information, amino acid conservation, physicochemical variation, residue mobility, and thermodynamic stability) indicates that this missense variant is not expected to disrupt BICD2 protein function with a negative predictive value of 80%. In summary, the available evidence is currently insufficient to determine the role of this variant in disease. Therefore, it has been classified as a Variant of Uncertain Significance.